The following is an entry in ClinVar:

NM_000548.5(TSC2):c.3442C>T (p.Gln1148Ter)

Gene: TSC2 (TSC complex subunit 2; plus strand). Cytogenetic location: 16p13.3.
Variant type: single nucleotide variant.
Coding change: c.3442C>T on transcript NM_000548.5 (MANE Select); coding-DNA position 3442, C replaced by T.
Protein change: p.Gln1148Ter; replaces glutamine 1148 with a stop codon.
Molecular consequence: nonsense.
Genome position (GRCh38, 1-based): chr16:2,080,209, C>T. VCF-style: chr16-2080209-C-T. GRCh37 (hg19) VCF-style: chr16-2130210-C-T.
Other names: c.3310C>T, p.Gln1104Ter (NM_001077183.3, NM_001370404.1); c.3442C>T, p.Gln1148Ter (NM_001114382.3); c.3202C>T, p.Gln1068Ter (NM_001318827.2); c.3166C>T, p.Gln1056Ter (NM_001318829.2); c.2710C>T, p.Gln904Ter (NM_001318831.2); c.3343C>T, p.Gln1115Ter (NM_001318832.2); c.3313C>T, p.Gln1105Ter (NM_001363528.2, NM_001370405.1, NM_021055.3); short protein forms Q1148*, Q1056*, Q1068*, Q1105*, Q1104*, Q1115*, Q904*.
Identifiers: ClinVar variation 50087 (VCV000050087.12), dbSNP rs45477491, ClinGen allele CA019175.
Genomic context (GRCh38, chr16:2,080,209, plus strand): 5'-CTGCCCTCTTCTTCAGGGGGCCATGGTCTTCGAGTTGGCGCCCTGGACGTGCCGGCCTCC[C>T]AGTTCCTGGGCAGTGCCACTTCTCCAGGACCACGGACTGCACCAGCCGCGAAACCTGAGA-3'

ClinVar aggregate classification (germline): Pathogenic. Review status: criteria provided, multiple submitters, no conflicts (2 of 4 stars). 6 submissions from 5 submitters: Pathogenic (4). 2 of the submissions do not count toward it. Last evaluated 2023-06-02.

Conditions:
Lymphangiomyomatosis (LAM). Also called: Lymphangioleiomyomatosis; Lymphangioleiomyomatosis, somatic. Identifiers: Orphanet 538, MedGen C0751674, MONDO:0011705, OMIM 606690.
Tuberous sclerosis 2 (TSC2). Identifiers: Orphanet 805, MedGen C1860707, MONDO:0013199, OMIM 613254.
Isolated focal cortical dysplasia type II (FCORD2). Also called: CORTICAL DYSPLASIA OF TAYLOR; Focal cortical dysplasia type II. Identifiers: Orphanet 268994, MedGen C1846385, MONDO:0011818, OMIM 607341, HP:0032051.
Tuberous sclerosis syndrome (TSC). Also called: Tuberous Sclerosis Complex; Tuberous sclerosis. Identifiers: Orphanet 805, MedGen C0041341, MONDO:0001734.

Submissions (6):

Labcorp Genetics (formerly Invitae), Labcorp
Classification: Pathogenic for Tuberous sclerosis 2. Last evaluated: 2023-06-02. Review status: criteria provided, single submitter. Criteria: Invitae Variant Classification Sherloc (09022015). Collection method: clinical testing. Allele origin: germline.
Comment: For these reasons, this variant has been classified as Pathogenic. ClinVar contains an entry for this variant (Variation ID: 50087). This premature translational stop signal has been observed in individuals with tuberous sclerosis complex (PMID: 10205261, 11208653, 20633017). This variant is not present in population databases (gnomAD no frequency). This sequence change creates a premature translational stop signal (p.Gln1148*) in the TSC2 gene. It is expected to result in an absent or disrupted protein product. Loss-of-function variants in TSC2 are known to be pathogenic (PMID: 10205261, 17304050).

Department of Pathology and Laboratory Medicine, Sinai Health System
Classification: Pathogenic for Lymphangiomyomatosis; Isolated focal cortical dysplasia type II; Tuberous sclerosis 2. Last evaluated: 2023-02-22. Review status: criteria provided, single submitter. Criteria: ACMG Guidelines, 2015. Collection method: clinical testing. Allele origin: germline. Affected: yes.

Genome-Nilou Lab
Classification: Pathogenic for Tuberous sclerosis 2. Last evaluated: 2021-11-07. Review status: criteria provided, single submitter. Criteria: ACMG Guidelines, 2015. Collection method: clinical testing. Allele origin: germline. Affected: no.

GeneDx
Classification: Pathogenic. Last evaluated: 2019-10-03. Review status: criteria provided, single submitter. Criteria: GeneDx Variant Classification Process June 2021. Collection method: clinical testing. Allele origin: germline. Affected: yes.
Comment: Nonsense variant predicted to result in protein truncation or nonsense mediated decay in a gene for which loss-of-function is a known mechanism of disease; Not observed in large population cohorts (Lek et al., 2016); Reported previously in association with tuberous sclerosis (Jones et al., 1999; TSC2 LOVD); This variant is associated with the following publications: (PMID: 11208653, 25525159, 15121797, 10205261, 20633017)

Tuberous sclerosis database (TSC2)
No classification provided. Condition: TSC. Review status: no classification provided. Criteria: Tuberous Sclerosis Database Assertion Criteria 2015. Collection method: curation. Allele origin: germline. Affected: yes. Not counted in ClinVar's aggregate classification.

Tuberous sclerosis database (TSC2)
No classification provided. Condition: TSC; LAM. Review status: no classification provided. Criteria: Tuberous Sclerosis Database Assertion Criteria 2015. Collection method: curation. Allele origin: germline. Affected: yes. Not counted in ClinVar's aggregate classification.

Literature cited by the submitters: PubMed 10205261 (cited by Labcorp Genetics (formerly Invitae), Labcorp and Department of Pathology and Laboratory Medicine, Sinai Health System); PubMed 11208653 (cited by Labcorp Genetics (formerly Invitae), Labcorp and Department of Pathology and Laboratory Medicine, Sinai Health System); PubMed 20633017 (cited by Labcorp Genetics (formerly Invitae), Labcorp and Department of Pathology and Laboratory Medicine, Sinai Health System); PubMed 17304050 (cited by Labcorp Genetics (formerly Invitae), Labcorp).